The following is an entry in ClinVar:

ClinVar aggregate classification (germline): Uncertain significance (1 of 4 stars; one submission).

Conditions:
Beckwith-Wiedemann syndrome (BWS). Also called: EMG SYNDROME; Exomphalos macroglossia gigantism syndrome. Identifiers: Orphanet 116, MedGen C0004903, MONDO:0007534, OMIM 130650.

Allele frequency attached by ClinVar (database versions not stated): gnomAD exomes below 0.00001.

Submission:

Labcorp Genetics (formerly Invitae), Labcorp
Classification: Uncertain significance for Beckwith-Wiedemann syndrome. Last evaluated: 2024-03-06. Review status: criteria provided, single submitter. Criteria: Invitae Variant Classification Sherloc (09022015). Collection method: clinical testing. Allele origin: germline.
Comment: This sequence change replaces serine, which is neutral and polar, with glycine, which is neutral and non-polar, at codon 138 of the CDKN1C protein (p.Ser138Gly). This variant is not present in population databases (gnomAD no frequency). This variant has not been reported in the literature in individuals affected with CDKN1C-related conditions. ClinVar contains an entry for this variant (Variation ID: 1950380). Algorithms developed to predict the effect of missense changes on protein structure and function output the following: SIFT: "Not Available"; PolyPhen-2: "Not Available"; Align-GVGD: "Not Available". The glycine amino acid residue is found in multiple mammalian species, which suggests that this missense change does not adversely affect protein function. In summary, the available evidence is currently insufficient to determine the role of this variant in disease. Therefore, it has been classified as a Variant of Uncertain Significance.

NM_001122630.2(CDKN1C):c.379A>G (p.Ser127Gly)

Gene: CDKN1C (cyclin dependent kinase inhibitor 1C; minus strand). Cytogenetic location: 11p15.4.
Variant type: single nucleotide variant.
Coding change: c.379A>G on transcript NM_001122630.2 (MANE Select); coding-DNA position 379, A replaced by G.
Protein change: p.Ser127Gly; replaces serine 127 with glycine.
Molecular consequence: missense variant. On other transcripts: intron variant (1).
Genome position (GRCh38, 1-based): chr11:2,885,078, T>C on the plus strand (A>G on the coding strand, the complement: CDKN1C is on the minus strand). VCF-style: chr11-2885078-T-C. GRCh37 (hg19) VCF-style: chr11-2906308-T-C.
Other names: c.412A>G, p.Ser138Gly (NM_000076.2, NM_001362474.2); c.379A>G, p.Ser127Gly (NM_001122631.2); c.255+124A>G (NM_001362475.2); short protein forms S138G, S127G.
Identifiers: ClinVar variation 1950380 (VCV001950380.5), dbSNP rs2494388321, ClinGen allele CA379146748.
Genomic context (GRCh38, chr11:2,885,078, plus strand): 5'-GGGCTGGAGCCAGGACCGGGACTGGGGGCGGGGTGGACGCCGGGGCCGGGACCGGGACAC[T>C]AGGCAGCTGCTCCGGCGCCTCCTCGAGGCCGTCGAGGGACTCAGCGGCCGGCTCGAGGGG-3'
Protein context (NP_001116102.1, residues 117-137): GLEEAPEQLP[Ser127Gly]VPVPAPASTP